The following is an entry in ClinVar:

NM_000051.4(ATM):c.331+1G>C

Gene: ATM (ATM serine/threonine kinase; plus strand). Cytogenetic location: 11q22.3.
Variant type: single nucleotide variant.
Coding change: c.331+1G>C on transcript NM_000051.4 (MANE Select); the canonical splice donor site of the intron after coding-DNA position 331, G replaced by C.
Molecular consequence: splice donor variant. On other transcripts: missense variant (2).
Genome position (GRCh38, 1-based): chr11:108,229,324, G>C. VCF-style: chr11-108229324-G-C. GRCh37 (hg19) VCF-style: chr11-108100051-G-C.
Other names: c.331+1G>C (NM_000051.3, NM_001351834.2); c.332G>C, p.Ser111Thr (NM_001351835.2, NM_001351836.2); short protein forms S111T.
Identifiers: ClinVar variation 2431258 (VCV002431258.2), dbSNP rs1555055356, ClinGen allele CA382521839.

ClinVar aggregate classification (germline): Likely pathogenic. Review status: criteria provided, multiple submitters, no conflicts (2 of 4 stars). 2 submissions from 2 submitters: Likely pathogenic (2). Last evaluated 2025-11-20.

Conditions:
Hereditary cancer-predisposing syndrome. Also called: Neoplastic Syndromes, Hereditary; Hereditary neoplastic syndrome; Hereditary Cancer Syndrome; Tumor predisposition. Identifiers: Orphanet 140162, MedGen C0027672, MeSH D009386, MONDO:0015356.
Familial cancer of breast. Also called: Hereditary breast cancer; BREAST CANCER, FAMILIAL; hereditary breast carcinoma. Identifiers: Orphanet 227535, MedGen C0346153, MONDO:0016419, OMIM 114480. Disease mechanism: loss of function.

Submissions (2):

Ambry Genetics
Classification: Likely pathogenic for Hereditary cancer-predisposing syndrome. Last evaluated: 2025-11-20. Review status: criteria provided, single submitter. Criteria: Ambry Variant Classification Scheme 2023. Collection method: clinical testing. Allele origin: germline.
Comment: The c.331+1G>C intronic variant results from a G to C substitution one nucleotide after coding exon 3 of the ATM gene. This variant is considered to be rare based on population cohorts in the Genome Aggregation Database (gnomAD). This nucleotide position is highly conserved in available vertebrate species. In silico splice site analysis predicts that this alteration will weaken the native splice donor site. Alterations that disrupt the canonical splice site are expected to cause aberrant splicing, resulting in an abnormal protein or a transcript that is subject to nonsense-mediated mRNA decay. As such, this alteration is classified as likely pathogenic.

Myriad Genetics, Inc.
Classification: Likely pathogenic for Familial cancer of breast. Last evaluated: 2023-01-13. Review status: criteria provided, single submitter. Criteria: Myriad Autosomal Dominant, Autosomal Recessive and X-Linked Classification Criteria (2023). Collection method: clinical testing. Allele origin: unknown.
Comment: This variant is considered likely pathogenic. This variant occurs within a consensus splice junction and is predicted to result in abnormal mRNA splicing of either an out-of-frame exon or an in-frame exon necessary for protein stability and/or normal function.